The following is an entry in ClinVar:

NM_031483.7(ITCH):c.837A>G (p.Leu279=)

Gene: ITCH (itchy E3 ubiquitin protein ligase; plus strand). Cytogenetic location: 20q11.22.
Variant type: single nucleotide variant.
Coding change: c.837A>G on transcript NM_031483.7 (MANE Select); coding-DNA position 837, A replaced by G.
Protein change: p.Leu279=; no amino-acid change (leucine 279 retained).
Molecular consequence: synonymous variant.
Genome position (GRCh38, 1-based): chr20:34,440,312, A>G. VCF-style: chr20-34440312-A-G. GRCh37 (hg19) VCF-style: chr20-33028117-A-G.
Other names: c.960A>G, p.Leu320= (NM_001257137.3, NM_001324197.2); c.507A>G, p.Leu169= (NM_001257138.3); c.837A>G, p.Leu279= (NM_001324198.2); c.837A>G (NM_031483.6).
Identifiers: ClinVar variation 1100711 (VCV001100711.9), dbSNP rs763708482, ClinGen allele CA9821443.

ClinVar aggregate classification (germline): Likely benign. Review status: criteria provided, single submitter (1 of 4 stars). 2 submissions from 2 submitters: Likely benign (1). 1 of the submissions does not count toward it. Last evaluated 2025-08-30.

Conditions:
Syndromic multisystem autoimmune disease due to ITCH deficiency. Also called: AUTOIMMUNE DISEASE, MULTISYSTEM, WITH FACIAL DYSMORPHISM. Identifiers: Orphanet 228426, MedGen C3150649, MONDO:0013245, OMIM 613385.
ITCH-related disorder. Also called: ITCH-related condition.

Allele frequency attached by ClinVar (database versions not stated): gnomAD exomes 0.00003 and 0.00008; ExAC 0.00004; TOPMed 0.00004; gnomAD 0.00005.
gnomAD v4.1: 121 of 1,614,010 alleles (0.0075%); highest among the groups gnomAD compares: Admixed American, 0.01%; no homozygotes.

Submissions (2):

Labcorp Genetics (formerly Invitae), Labcorp
Classification: Likely benign for Syndromic multisystem autoimmune disease due to ITCH deficiency. Last evaluated: 2025-08-30. Review status: criteria provided, single submitter. Criteria: Invitae Variant Classification Sherloc (09022015). Collection method: clinical testing. Allele origin: germline.

PreventionGenetics, part of Exact Sciences
Classification: Likely benign for ITCH-related condition. Last evaluated: 2019-06-05. Review status: no assertion criteria provided. Collection method: clinical testing. Allele origin: germline. Not counted in ClinVar's aggregate classification.
Comment: This variant is classified as likely benign based on ACMG/AMP sequence variant interpretation guidelines (Richards et al. 2015 PMID: 25741868, with internal and published modifications).